The following is an entry in ClinVar:

NM_000642.3(AGL):c.3192_3197delinsTTCACCTA (p.Met1064fs)

Gene: AGL (amylo-alpha-1,6-glucosidase and 4-alpha-glucanotransferase; plus strand). Cytogenetic location: 1p21.2.
Variant type: Indel.
Coding change: c.3192_3197delinsTTCACCTA on transcript NM_000642.3 (MANE Select); coding-DNA positions 3192 to 3197, GGATGT replaced by TTCACCTA.
Protein change: p.Met1064fs; shifts the reading frame from methionine 1064.
Molecular consequence: frameshift variant.
Genome position (GRCh38, 1-based): chr1:99,892,540-99,892,545, GGATGT replaced by TTCACCTA. VCF-style: chr1-99892540-GGATGT-TTCACCTA. GRCh37 (hg19) VCF-style: chr1-100358096-GGATGT-TTCACCTA.
Other names: c.3192_3197delGGATGTinsTTCACCTA, p.Met1064Ilefs (NM_000028.3, NM_000643.3, NM_000644.3 and 1 more transcripts); c.3144_3149delGGATGTinsTTCACCTA, p.Met1048Ilefs (NM_000646.3); c.3171_3176delGGATGTinsTTCACCTA, p.Met1057Ilefs (NM_001425326.1); c.2991_2996delGGATGTinsTTCACCTA, p.Met997Ilefs (NM_001425327.1); c.2988_2993delGGATGTinsTTCACCTA, p.Met996Ilefs (NM_001425328.1); c.2853_2858delGGATGTinsTTCACCTA, p.Met951Ilefs (NM_001425329.1); c.2814_2819delGGATGTinsTTCACCTA, p.Met938Ilefs (NM_001425332.1); short protein forms M1064fs, M1048fs.
Identifiers: ClinVar variation 2909059 (VCV002909059.3), dbSNP rs2524732108, ClinGen allele CA2739272710.
Genomic context (GRCh38, chr1:99,892,540, plus strand): 5'-AGTTCAACTGTGTGGAGTAGGAAAATTCCCTTCCCTGCCAATTCTTTCACCTGCCCTAAT[GGATGT>TTCACCTA]ACCTTATAGGTTAAATGAGATCACAAAAGAAAAGGAGCAATGTTGTGTTTCTCTAGCTGC-3'

ClinVar aggregate classification (germline): Pathogenic (1 of 4 stars; one submission).

Conditions:
Glycogen storage disease type III (GSD3). Also called: Cori disease; FORBES DISEASE. Identifiers: Orphanet 366, MedGen C0017922, MONDO:0009291, OMIM 232400.

Submission:

Labcorp Genetics (formerly Invitae), Labcorp
Classification: Pathogenic for Glycogen storage disease type III. Last evaluated: 2023-12-16. Review status: criteria provided, single submitter. Criteria: Invitae Variant Classification Sherloc (09022015). Collection method: clinical testing. Allele origin: germline.
Comment: This sequence change creates a premature translational stop signal (p.Met1064Ilefs*8) in the AGL gene. It is expected to result in an absent or disrupted protein product. Loss-of-function variants in AGL are known to be pathogenic (PMID: 19299494). Information on the frequency of this variant in the gnomAD database is not available, as this variant may be reported differently in the database. This variant has not been reported in the literature in individuals affected with AGL-related conditions. Algorithms developed to predict the effect of sequence changes on RNA splicing suggest that this variant may disrupt the consensus splice site. For these reasons, this variant has been classified as Pathogenic.

Literature cited by the submitters: PubMed 19299494.